The following is an entry in ClinVar:

ClinVar aggregate classification (germline): Uncertain significance (1 of 4 stars; one submission).

Allele frequency attached by ClinVar (database versions not stated): gnomAD exomes below 0.00001.
gnomAD v4.1: 1 of 1,614,068 alleles (0.000062%); highest among the groups gnomAD compares: Non-Finnish European, 0.000085%; no homozygotes.

Submission:

Labcorp Genetics (formerly Invitae), Labcorp
Classification: Uncertain significance. Last evaluated: 2022-01-26. Review status: criteria provided, single submitter. Criteria: Invitae Variant Classification Sherloc (09022015). Collection method: clinical testing. Allele origin: germline.
Comment: In summary, the available evidence is currently insufficient to determine the role of this variant in disease. Therefore, it has been classified as a Variant of Uncertain Significance. Algorithms developed to predict the effect of missense changes on protein structure and function are either unavailable or do not agree on the potential impact of this missense change (SIFT: "Deleterious"; PolyPhen-2: "Possibly Damaging"; Align-GVGD: "Class C0"). This variant has not been reported in the literature in individuals affected with P4HB-related conditions. This variant is not present in population databases (gnomAD no frequency). This sequence change replaces serine, which is neutral and polar, with proline, which is neutral and non-polar, at codon 194 of the P4HB protein (p.Ser194Pro).

NM_000918.4(P4HB):c.580T>C (p.Ser194Pro)

Gene: P4HB (prolyl 4-hydroxylase subunit beta; minus strand). Cytogenetic location: 17q25.3.
Variant type: single nucleotide variant.
Coding change: c.580T>C on transcript NM_000918.4 (MANE Select); coding-DNA position 580, T replaced by C.
Protein change: p.Ser194Pro; replaces serine 194 with proline.
Molecular consequence: missense variant.
Genome position (GRCh38, 1-based): chr17:81,855,186, A>G on the plus strand (T>C on the coding strand, the complement: P4HB is on the minus strand). VCF-style: chr17-81855186-A-G. GRCh37 (hg19) VCF-style: chr17-79813062-A-G.
Other names: short protein forms S194P.
Identifiers: ClinVar variation 2089849 (VCV002089849.4), dbSNP rs2509957994, ClinGen allele CA401514912.